The following is an entry in ClinVar:

NM_005263.5(GFI1):c.185C>T (p.Thr62Ile)

Gene: GFI1 (growth factor independent 1 transcriptional repressor; minus strand). Cytogenetic location: 1p22.1.
Variant type: single nucleotide variant.
Coding change: c.185C>T on transcript NM_005263.5 (MANE Select); coding-DNA position 185, C replaced by T.
Protein change: p.Thr62Ile; replaces threonine 62 with isoleucine.
Molecular consequence: missense variant.
Genome position (GRCh38, 1-based): chr1:92,482,977, G>A on the plus strand (C>T on the coding strand, the complement: GFI1 is on the minus strand). VCF-style: chr1-92482977-G-A. GRCh37 (hg19) VCF-style: chr1-92948534-G-A.
Other names: c.185C>T, p.Thr62Ile (NM_001127215.3, NM_001127216.3); short protein forms T62I.
Identifiers: ClinVar variation 2696310 (VCV002696310.3), dbSNP rs2524738896, ClinGen allele CA341150516.

ClinVar aggregate classification (germline): Uncertain significance (1 of 4 stars; one submission).

Conditions:
Neutropenia, severe congenital, 2, autosomal dominant. Identifiers: Orphanet 486, MedGen C2751288, MONDO:0013139, OMIM 613107.

Submission:

Labcorp Genetics (formerly Invitae), Labcorp
Classification: Uncertain significance for Neutropenia, severe congenital, 2, autosomal dominant. Last evaluated: 2023-11-24. Review status: criteria provided, single submitter. Criteria: Invitae Variant Classification Sherloc (09022015). Collection method: clinical testing. Allele origin: germline.
Comment: This sequence change replaces threonine, which is neutral and polar, with isoleucine, which is neutral and non-polar, at codon 62 of the GFI1 protein (p.Thr62Ile). This variant is not present in population databases (gnomAD no frequency). This variant has not been reported in the literature in individuals affected with GFI1-related conditions. Advanced modeling of protein sequence and biophysical properties (such as structural, functional, and spatial information, amino acid conservation, physicochemical variation, residue mobility, and thermodynamic stability) performed at Invitae indicates that this missense variant is not expected to disrupt GFI1 protein function with a negative predictive value of 80%. In summary, the available evidence is currently insufficient to determine the role of this variant in disease. Therefore, it has been classified as a Variant of Uncertain Significance.